The following is an entry in ClinVar:

ClinVar aggregate classification (germline): Uncertain significance (1 of 4 stars; one submission).

Submission:

CeGaT Center for Human Genetics Tuebingen
Classification: Uncertain significance. Last evaluated: 2022-08-01. Review status: criteria provided, single submitter. Criteria: CeGaT Center For Human Genetics Tuebingen Variant Classification Criteria Version 2. Collection method: clinical testing. Allele origin: germline. Affected: yes. Observed: 1 variant allele.
Comment: APTX: PM2

NM_001195248.2(APTX):c.505C>G (p.Gln169Glu)

Gene: APTX (aprataxin; minus strand). Cytogenetic location: 9p21.1.
Variant type: single nucleotide variant.
Coding change: c.505C>G on transcript NM_001195248.2 (MANE Select); coding-DNA position 505, C replaced by G.
Protein change: p.Gln169Glu; replaces glutamine 169 with glutamic acid.
Molecular consequence: missense variant. On other transcripts: non-coding transcript variant (13).
Genome position (GRCh38, 1-based): chr9:32,986,009, G>C on the plus strand (C>G on the coding strand, the complement: APTX is on the minus strand). VCF-style: chr9-32986009-G-C. GRCh37 (hg19) VCF-style: chr9-32986007-G-C.
Other names: c.505C>G, p.Gln169Glu (NM_001195249.2, NM_001195251.2, NM_001368995.1 and 6 more transcripts); c.343C>G, p.Gln115Glu (NM_001195250.2, NM_001195254.2, NM_001369000.1 and 1 more transcripts); c.289C>G, p.Gln97Glu (NM_001195252.2); c.241C>G, p.Gln81Glu (NM_001369002.1, NM_001369003.1, NM_001369004.1 and 5 more transcripts); c.-18C>G (NM_175071.1); short protein forms Q115E, Q169E, Q81E, Q97E.
Identifiers: ClinVar variation 1711686 (VCV001711686.30), dbSNP rs1587449311, ClinGen allele CA373179147.